The following is an entry in ClinVar:

NM_000218.3(KCNQ1):c.1166C>T (p.Ser389Phe)

Gene: KCNQ1 (potassium voltage-gated channel subfamily Q member 1; plus strand). Cytogenetic location: 11p15.5.
Variant type: single nucleotide variant.
Coding change: c.1166C>T on transcript NM_000218.3 (MANE Select); coding-DNA position 1166, C replaced by T.
Protein change: p.Ser389Phe; replaces serine 389 with phenylalanine.
Molecular consequence: missense variant.
Genome position (GRCh38, 1-based): chr11:2,587,607, C>T. VCF-style: chr11-2587607-C-T. GRCh37 (hg19) VCF-style: chr11-2608837-C-T.
Other names: c.1070C>T, p.Ser357Phe (NM_001406836.1); c.896C>T, p.Ser299Phe (NM_001406837.1); c.626C>T, p.Ser209Phe (NM_001406838.1); c.785C>T, p.Ser262Phe (NM_181798.2); short protein forms S262F, S209F, S357F, S389F, S299F.
Identifiers: ClinVar variation 2030049 (VCV002030049.5), dbSNP rs199472773, ClinGen allele CA379134716.
Genomic context (GRCh38, chr11:2,587,607, plus strand): 5'-CCTGTCCCCCTGCCCGACCTCAGACCGCATGGAGGTGCTATGCTGCCGAGAACCCCGACT[C>T]CTCCACCTGGAAGATCTACATCCGGAAGGCCCCCCGGAGCCACACTCTGCTGTCACCCAG-3'
Protein context (NP_000209.2, residues 379-399): WRCYAAENPD[Ser389Phe]STWKIYIRKA

ClinVar aggregate classification (germline): Conflicting classifications of pathogenicity. Review status: criteria provided, conflicting classifications (1 of 4 stars). 2 submissions from 2 submitters: Likely pathogenic (1); Uncertain significance (1). Last evaluated 2025-07-27.

Conditions:
Cardiovascular phenotype. Identifiers: MedGen CN230736.
Long QT syndrome (LQTS). Identifiers: MedGen C0023976, MeSH D008133, MONDO:0002442. Disease mechanism: loss of function. Inheritance: Various modes of inheritance.

Submissions (2):

Labcorp Genetics (formerly Invitae), Labcorp
Classification: Likely pathogenic for Long QT syndrome. Last evaluated: 2025-07-27. Review status: criteria provided, single submitter. Criteria: Invitae Variant Classification Sherloc (09022015). Collection method: clinical testing. Allele origin: germline.
Comment: This sequence change replaces serine, which is neutral and polar, with phenylalanine, which is neutral and non-polar, at codon 389 of the KCNQ1 protein (p.Ser389Phe). This variant is not present in population databases (gnomAD no frequency). This missense change has been observed in individuals with clinical features of long QT Syndrome (internal data). ClinVar contains an entry for this variant (Variation ID: 2030049). Invitae Evidence Modeling of protein sequence and biophysical properties (such as structural, functional, and spatial information, amino acid conservation, physicochemical variation, residue mobility, and thermodynamic stability) has been performed for this missense variant. However, the output from this modeling did not meet the statistical confidence thresholds required to predict the impact of this variant on KCNQ1 protein function. This variant disrupts the p.Ser389 amino acid residue in KCNQ1. Other variant(s) that disrupt this residue have been observed in individuals with KCNQ1-related conditions (internal data), which suggests that this may be a clinically significant amino acid residue. In summary, the currently available evidence indicates that the variant is pathogenic, but additional data are needed to prove that conclusively. Therefore, this variant has been classified as Likely Pathogenic.

Ambry Genetics
Classification: Uncertain significance for Cardiovascular phenotype. Last evaluated: 2024-10-29. Review status: criteria provided, single submitter. Criteria: Ambry Variant Classification Scheme 2023. Collection method: clinical testing. Allele origin: germline.
Comment: The p.S389F variant (also known as c.1166C>T), located in coding exon 9 of the KCNQ1 gene, results from a C to T substitution at nucleotide position 1166. The serine at codon 389 is replaced by phenylalanine, an amino acid with highly dissimilar properties. This variant has been observed in at least one individual with a personal and/or family history that is consistent with long QT syndrome (LQTS) (Ambry internal data). This amino acid position is well conserved in available vertebrate species. In addition, this alteration is predicted to be deleterious by in silico analysis. Based on the available evidence, the clinical significance of this variant remains unclear.